The following is an entry in ClinVar:

ClinVar aggregate classification (germline): Likely pathogenic. Review status: criteria provided, multiple submitters, no conflicts (2 of 4 stars). 2 submissions from 2 submitters: Likely pathogenic (2). Last evaluated 2025-08-29.

Conditions:
Hypophosphatasia. Also called: Phosphoethanol-aminuria. Identifiers: Orphanet 436, MedGen C0020630, MeSH D007014, MONDO:0018570.

Submissions (2):

Genomenon, Inc
Classification: Likely pathogenic for Hypophosphatasia. Last evaluated: 2025-08-29. Review status: criteria provided, single submitter. Criteria: Genomenon Sequence Variant Interpretation Standards. Collection method: curation. Allele origin: germline. Affected: yes.
Comment: ALPL c.1336G>A is a missense variant that changes the amino acid at residue 446 from Alanine to Threonine. This variant has been observed in at least one proband affected with hypophosphatasia (PMID:37118032;30115096). It is absent or not present at a significant frequency in gnomAD. In silico models agree that this variant is possibly or probably damaging. In conclusion, we classify ALPL p.Ala446Thr (c.1336G>A) as a likely pathogenic variant.

Labcorp Genetics (formerly Invitae), Labcorp
Classification: Likely pathogenic. Last evaluated: 2022-07-21. Review status: criteria provided, single submitter. Criteria: Invitae Variant Classification Sherloc (09022015). Collection method: clinical testing. Allele origin: germline.
Comment: This variant is not present in population databases (gnomAD no frequency). In summary, the currently available evidence indicates that the variant is pathogenic, but additional data are needed to prove that conclusively. Therefore, this variant has been classified as Likely Pathogenic. Advanced modeling of protein sequence and biophysical properties (such as structural, functional, and spatial information, amino acid conservation, physicochemical variation, residue mobility, and thermodynamic stability) performed at Invitae indicates that this missense variant is expected to disrupt ALPL protein function. ClinVar contains an entry for this variant (Variation ID: 1510101). This missense change has been observed in individual(s) with hypophosphatasia (PMID: 30115096; Invitae). This sequence change replaces alanine, which is neutral and non-polar, with threonine, which is neutral and polar, at codon 446 of the ALPL protein (p.Ala446Thr).

Literature cited by the submitters: PubMed 37118032 (cited by Genomenon, Inc); PubMed 30115096 (cited by Genomenon, Inc and Labcorp Genetics (formerly Invitae), Labcorp).

NM_000478.6(ALPL):c.1336G>A (p.Ala446Thr)

Gene: ALPL (alkaline phosphatase, biomineralization associated; plus strand). Cytogenetic location: 1p36.12.
Variant type: single nucleotide variant.
Coding change: c.1336G>A on transcript NM_000478.6 (MANE Select); coding-DNA position 1336, G replaced by A.
Protein change: p.Ala446Thr; replaces alanine 446 with threonine.
Molecular consequence: missense variant.
Genome position (GRCh38, 1-based): chr1:21,577,409, G>A. VCF-style: chr1-21577409-G-A. GRCh37 (hg19) VCF-style: chr1-21903902-G-A.
Other names: c.1171G>A, p.Ala391Thr (NM_001127501.4); c.1105G>A, p.Ala369Thr (NM_001177520.3); c.1336G>A, p.Ala446Thr (NM_001369803.2, NM_001369804.2, NM_001369805.2); short protein forms A369T, A446T, A391T.
Identifiers: ClinVar variation 1510101 (VCV001510101.7), dbSNP rs2148194520, ClinGen allele CA338881987.